The following is an entry in ClinVar:

NM_012128.4(CLCA4):c.409C>T (p.Leu137Phe)

Gene: CLCA4 (chloride channel accessory 4; plus strand). Cytogenetic location: 1p22.3.
Variant type: single nucleotide variant.
Coding change: c.409C>T on transcript NM_012128.4 (MANE Select); coding-DNA position 409, C replaced by T.
Protein change: p.Leu137Phe; replaces leucine 137 with phenylalanine.
Molecular consequence: missense variant. On other transcripts: non-coding transcript variant (1).
Genome position (GRCh38, 1-based): chr1:86,560,319, C>T. VCF-style: chr1-86560319-C-T. GRCh37 (hg19) VCF-style: chr1-87026002-C-T.
Other names: short protein forms L137F.
Identifiers: ClinVar variation 4681305 (VCV004681305.5).
Genomic context (GRCh38, chr1:86,560,319, plus strand): 5'-TACACCAAGCAGTTCACAGAATGTGGAGAGAAAGGCGAATACATTCACTTCACCCCTGAC[C>T]TTCTACTTGGAAAAAAACAAAATGAATATGGACCACCAGGTAGAAATTTTGGTTAAAAAA-3'
Protein context (NP_036260.2, residues 127-147): KGEYIHFTPD[Leu137Phe]LLGKKQNEYG

ClinVar aggregate classification (germline): Likely benign (1 of 4 stars; one submission).

gnomAD v4.1: 1,683 of 1,613,950 alleles (0.1%); highest among the groups gnomAD compares: Middle Eastern, 3.2%; 15 homozygotes.

Submission:

CeGaT Center for Human Genetics Tuebingen
Classification: Likely benign. Last evaluated: 2026-04-01. Review status: criteria provided, single submitter. Criteria: CeGaT Center For Human Genetics Tuebingen Variant Classification Criteria Version 2. Collection method: clinical testing. Allele origin: germline. Affected: yes. Observed: 2 variant alleles.
Comment: CLCA4: BP4